The following is an entry in ClinVar:

ClinVar aggregate classification (germline): Uncertain significance (1 of 4 stars; one submission).

Conditions:
Cardiovascular phenotype. Identifiers: MedGen CN230736.

Allele frequency attached by ClinVar (database versions not stated): gnomAD exomes below 0.00001.
gnomAD v4.1: 5 of 1,613,082 alleles (0.00031%); highest among the groups gnomAD compares: Non-Finnish European, 0.00042%; no homozygotes.

Submission:

Ambry Genetics
Classification: Uncertain significance for Cardiovascular phenotype. Last evaluated: 2022-04-06. Review status: criteria provided, single submitter. Criteria: Ambry Variant Classification Scheme 2023. Collection method: clinical testing. Allele origin: germline.
Comment: The p.S2181G variant (also known as c.6541A>G), located in coding exon 40 of the FLNC gene, results from an A to G substitution at nucleotide position 6541. The serine at codon 2181 is replaced by glycine, an amino acid with similar properties. This amino acid position is conserved. In addition, the in silico prediction for this alteration is inconclusive. Since supporting evidence is limited at this time, the clinical significance of this alteration remains unclear.

NM_001458.5(FLNC):c.6541A>G (p.Ser2181Gly)

Genes: FLNC (filamin C; plus strand), FLNC-AS1 (FLNC antisense RNA 1; minus strand). Cytogenetic location: 7q32.1.
Variant type: single nucleotide variant.
Coding change: c.6541A>G on transcript NM_001458.5 (MANE Select); coding-DNA position 6541, A replaced by G.
Protein change: p.Ser2181Gly; replaces serine 2181 with glycine.
Molecular consequence: missense variant.
Genome position (GRCh38, 1-based): chr7:128,854,030, A>G. VCF-style: chr7-128854030-A-G. GRCh37 (hg19) VCF-style: chr7-128494084-A-G.
Other names: c.6442A>G, p.Ser2148Gly (NM_001127487.2); short protein forms S2181G, S2148G.
Identifiers: ClinVar variation 1754117 (VCV001754117.2), dbSNP rs2536663632, ClinGen allele CA369212779.
Genomic context (GRCh38, chr7:128,854,030, plus strand): 5'-ACAGGAAACTGGTTCCAGATGGTGTCTGCCCAGGAGCGCCTGACACGCACCTTCACACGC[A>G]GCAGCCACACCTACACCCGCACGGAGCGCACGGAGATCAGCAAGACGCGGGGCGGGGAGA-3'
Protein context (NP_001449.3, residues 2171-2191): QERLTRTFTR[Ser2181Gly]SHTYTRTERT